The following is an entry in ClinVar:

ClinVar aggregate classification (germline): Uncertain significance (1 of 4 stars; one submission).

Submission:

Ambry Genetics
Classification: Uncertain significance. Last evaluated: 2025-10-22. Review status: criteria provided, single submitter. Criteria: Ambry Variant Classification Scheme 2023. Collection method: clinical testing. Allele origin: germline.
Comment: The p.R710P variant (also known as c.2129G>C), located in coding exon 14 of the RINT1 gene, results from a G to C substitution at nucleotide position 2129. The arginine at codon 710 is replaced by proline, an amino acid with dissimilar properties. This amino acid position is conserved. In addition, this alteration is predicted to be deleterious by in silico analysis. Based on the available evidence, the clinical significance of this variant remains unclear.

NM_021930.6(RINT1):c.2129G>C (p.Arg710Pro)

Genes: EFCAB10 (EF-hand calcium binding domain 10; minus strand), RINT1 (RAD50 interactor 1; plus strand). Cytogenetic location: 7q22.3.
Variant type: single nucleotide variant.
Coding change: c.2129G>C on transcript NM_021930.6 (MANE Select); coding-DNA position 2129, G replaced by C.
Protein change: p.Arg710Pro; replaces arginine 710 with proline.
Molecular consequence: missense variant. On other transcripts: non-coding transcript variant (1), intron variant (2), synonymous variant (1).
Genome position (GRCh38, 1-based): chr7:105,565,591, G>C. VCF-style: chr7-105565591-G-C. GRCh37 (hg19) VCF-style: chr7-105206038-G-C.
Other names: c.1106G>C, p.Arg369Pro (NM_001346603.2, NM_001346600.2); c.360-144C>G (NM_001355531.2); c.384-144C>G (NM_001355526.2); c.408C>G, p.Ser136= (NM_001355530.2); c.1895G>C, p.Arg632Pro (NM_001346599.2); c.1205G>C, p.Arg402Pro (NM_001346601.2); short protein forms R369P, R632P, R710P, R402P.
Identifiers: ClinVar variation 4578220 (VCV004578220.1).
Genomic context (GRCh38, chr7:105,565,591, plus strand): 5'-TAATTCTTGCTAATCACTTCAATGAAGGAGGAGCAGCCCAGCTGCAGTTTGATATGACTC[G>C]GAATCTTTTCCCTTTGTTTTCTCACTATTGCAAGAGACCAGAAAATTATTTTAAACAGTA-3'
Protein context (NP_068749.3, residues 700-720): GAAQLQFDMT[Arg710Pro]NLFPLFSHYC